The following is an entry in ClinVar:

ClinVar aggregate classification (germline): Likely benign (1 of 4 stars; one submission).

Conditions:
EP300-related disorder. Also called: EP300-related condition; EP300-related disorders.

Submission:

PreventionGenetics, part of Exact Sciences
Classification: Likely benign for EP300-related condition. Last evaluated: 2026-08-27. Review status: criteria provided, single submitter. Criteria: ACMG Guidelines, 2015. Collection method: clinical testing. Allele origin: germline.
Comment: This variant is classified as likely benign based on ACMG/AMP sequence variant interpretation guidelines (Richards et al. 2015 PMID: 25741868, with internal and published modifications).

NM_001429.4(EP300):c.4113G>C (p.Leu1371=)

Gene: EP300 (EP300 lysine acetyltransferase; plus strand). Cytogenetic location: 22q13.2.
Variant type: single nucleotide variant.
Coding change: c.4113G>C on transcript NM_001429.4 (MANE Select); coding-DNA position 4113, G replaced by C.
Protein change: p.Leu1371=; no amino-acid change (leucine 1371 retained).
Molecular consequence: synonymous variant.
Genome position (GRCh38, 1-based): chr22:41,168,808, G>C. VCF-style: chr22-41168808-G-C. GRCh37 (hg19) VCF-style: chr22-41564812-G-C.
Other names: c.4035G>C, p.Leu1345= (NM_001362843.2).
Identifiers: ClinVar variation 4993874 (VCV004993874.1).